The following is an entry in ClinVar:

NM_000245.4(MET):c.834A>G (p.Ile278Met)

Gene: MET (MET proto-oncogene, receptor tyrosine kinase; plus strand). Cytogenetic location: 7q31.2.
Variant type: single nucleotide variant.
Coding change: c.834A>G on transcript NM_000245.4 (MANE Select); coding-DNA position 834, A replaced by G.
Protein change: p.Ile278Met; replaces isoleucine 278 with methionine.
Molecular consequence: missense variant. On other transcripts: intron variant (1).
Genome position (GRCh38, 1-based): chr7:116,699,918, A>G. VCF-style: chr7-116699918-A-G. GRCh37 (hg19) VCF-style: chr7-116339972-A-G.
Other names: c.834A>G, p.Ile278Met (NM_001127500.3, NM_001324401.3); c.-91+27341A>G (NM_001324402.2); short protein forms I278M.
Identifiers: ClinVar variation 1763019 (VCV001763019.2), dbSNP rs2116599136, ClinGen allele CA368969952.
Genomic context (GRCh38, chr7:116,699,918, plus strand): 5'-TATTTACTTCTTGACGGTCCAAAGGGAAACTCTAGATGCTCAGACTTTTCACACAAGAAT[A>G]ATCAGGTTCTGTTCCATAAACTCTGGATTGCATTCCTACATGGAAATGCCTCTGGAGTGT-3'
Protein context (NP_000236.2, residues 268-288): TLDAQTFHTR[Ile278Met]IRFCSINSGL

ClinVar aggregate classification (germline): Uncertain significance (1 of 4 stars; one submission).

Conditions:
Hereditary cancer-predisposing syndrome. Also called: Neoplastic Syndromes, Hereditary; Tumor predisposition; Hereditary Cancer Syndrome; Hereditary neoplastic syndrome. Identifiers: Orphanet 140162, MedGen C0027672, MeSH D009386, MONDO:0015356.

Allele frequency attached by ClinVar (database versions not stated): gnomAD exomes below 0.00001.
gnomAD v4.1: 1 of 1,614,136 alleles (0.000062%); highest among the groups gnomAD compares: Non-Finnish European, 0.000085%; no homozygotes.

Submission:

Ambry Genetics
Classification: Uncertain significance for Hereditary cancer-predisposing syndrome. Last evaluated: 2022-02-12. Review status: criteria provided, single submitter. Criteria: Ambry Variant Classification Scheme 2023. Collection method: clinical testing. Allele origin: germline.
Comment: The p.I278M variant (also known as c.834A>G), located in coding exon 1 of the MET gene, results from an A to G substitution at nucleotide position 834. The isoleucine at codon 278 is replaced by methionine, an amino acid with highly similar properties. This amino acid position is conserved. In addition, this alteration is predicted to be tolerated by in silico analysis. Since supporting evidence is limited at this time, the clinical significance of this alteration remains unclear.